The following is an entry in ClinVar:

ClinVar aggregate classification (germline): Uncertain significance (1 of 4 stars; one submission).

Conditions:
Cardiovascular phenotype. Identifiers: MedGen CN230736.

gnomAD v4.1: 1 of 1,409,764 alleles (0.000071%); no homozygotes.

Submission:

Ambry Genetics
Classification: Uncertain significance for Cardiovascular phenotype. Last evaluated: 2013-01-23. Review status: criteria provided, single submitter. Criteria: Ambry Autosomal Dominant and X-Linked criteria (10/2015). Collection method: clinical testing. Allele origin: germline. Observed: 1 variant allele.
Comment: Co-segregation data for this variant is currently unavailable. This variant has not been detected in conjunction with a pathogenic mutation to date. Allele frequency data in population-based cohorts is not currently available. This amino acid position is conserved in all available vertebrate species except for bushbaby, and the flanking regions are also fairly conserved.This alteration is predicted to be benign with a score of 0.039 (sensitivity: 0.94; specificity: 0.58)This alteration is predicted to be tolerated with a score of 0.090 (conservation: 2.64)

NM_002474.3(MYH11):c.1115T>C (p.Met372Thr)

Gene: MYH11 (myosin heavy chain 11; minus strand). Cytogenetic location: 16p13.11.
Variant type: single nucleotide variant.
Coding change: c.1115T>C on transcript NM_002474.3 (MANE Select); coding-DNA position 1115, T replaced by C.
Protein change: p.Met372Thr; replaces methionine 372 with threonine.
Molecular consequence: missense variant.
Genome position (GRCh38, 1-based): chr16:15,763,810, A>G on the plus strand (T>C on the coding strand, the complement: MYH11 is on the minus strand). VCF-style: chr16-15763810-A-G. GRCh37 (hg19) VCF-style: chr16-15857667-A-G.
Other names: c.1136T>C, p.Met379Thr (NM_001040113.2, NM_001040114.2); c.1115T>C, p.Met372Thr (NM_022844.3); short protein forms M372T, M379T.
Identifiers: ClinVar variation 263516 (VCV000263516.3), dbSNP rs886038835, ClinGen allele CA10587895.